The following is an entry in ClinVar:

NM_001151.4(SLC25A4):c.878A>C (p.Glu293Ala)

Gene: SLC25A4 (solute carrier family 25 member 4; plus strand). Cytogenetic location: 4q35.1.
Variant type: single nucleotide variant.
Coding change: c.878A>C on transcript NM_001151.4 (MANE Select); coding-DNA position 878, A replaced by C.
Protein change: p.Glu293Ala; replaces glutamic acid 293 with alanine.
Molecular consequence: missense variant.
Genome position (GRCh38, 1-based): chr4:185,146,952, A>C. VCF-style: chr4-185146952-A-C. GRCh37 (hg19) VCF-style: chr4-186068106-A-C.
Other names: short protein forms E293A.
Identifiers: ClinVar variation 2797991 (VCV002797991.4), dbSNP rs1734452542, ClinGen allele CA358897616.

ClinVar aggregate classification (germline): Uncertain significance. Review status: criteria provided, multiple submitters, no conflicts (2 of 4 stars). 2 submissions from 2 submitters: Uncertain significance (2). Last evaluated 2026-07-01.

Allele frequency attached by ClinVar (database versions not stated): TOPMed below 0.00001.

Submissions (2):

CeGaT Center for Human Genetics Tuebingen
Classification: Uncertain significance. Last evaluated: 2026-07-01. Review status: criteria provided, single submitter. Criteria: CeGaT Center For Human Genetics Tuebingen Variant Classification Criteria Version 2. Collection method: clinical testing. Allele origin: germline. Affected: yes. Observed: 1 variant allele.
Comment: SLC25A4: PM2

Labcorp Genetics (formerly Invitae), Labcorp
Classification: Uncertain significance. Last evaluated: 2022-12-23. Review status: criteria provided, single submitter. Criteria: Invitae Variant Classification Sherloc (09022015). Collection method: clinical testing. Allele origin: germline.
Comment: Advanced modeling of protein sequence and biophysical properties (such as structural, functional, and spatial information, amino acid conservation, physicochemical variation, residue mobility, and thermodynamic stability) performed at Invitae indicates that this missense variant is not expected to disrupt SLC25A4 protein function. This sequence change replaces glutamic acid, which is acidic and polar, with alanine, which is neutral and non-polar, at codon 293 of the SLC25A4 protein (p.Glu293Ala). This variant is not present in population databases (gnomAD no frequency). This variant has not been reported in the literature in individuals affected with SLC25A4-related conditions. In summary, the available evidence is currently insufficient to determine the role of this variant in disease. Therefore, it has been classified as a Variant of Uncertain Significance.